The following is an entry in ClinVar:

NM_003079.5(SMARCE1):c.1163G>A (p.Gly388Asp)

Gene: SMARCE1 (SWI/SNF related BAF chromatin remodeling complex subunit E1; minus strand). Cytogenetic location: 17q21.2.
Variant type: single nucleotide variant.
Coding change: c.1163G>A on transcript NM_003079.5 (MANE Select); coding-DNA position 1163, G replaced by A.
Protein change: p.Gly388Asp; replaces glycine 388 with aspartic acid.
Molecular consequence: missense variant.
Genome position (GRCh38, 1-based): chr17:40,628,858, C>T on the plus strand (G>A on the coding strand, the complement: SMARCE1 is on the minus strand). VCF-style: chr17-40628858-C-T. GRCh37 (hg19) VCF-style: chr17-38785110-C-T.
Other names: short protein forms G388D.
Identifiers: ClinVar variation 2428099 (VCV002428099.6), dbSNP rs960134949, ClinGen allele CA290547498.
Genomic context (GRCh38, chr17:40,628,858, plus strand): 5'-TCATCTTCTGGTATGGGATCTGTTGGTGGCTCCTCCACTGTTGCACTGTTGCTCTCCGAG[C>T]CAGTGTTACTATCACTGGTTCCTTCCTCTGCCATACTGTCGACCCCCTCCTGCCCACTCT-3'
Protein context (NP_003070.3, residues 378-398): AEEGTSDSNT[Gly388Asp]SESNSATVEE

ClinVar aggregate classification (germline): Uncertain significance (1 of 4 stars; one submission).

Conditions:
Familial meningioma. Also called: Meningioma, familial, susceptibility to. Identifiers: Orphanet 263662, MedGen C3551915, MONDO:0011789, OMIM 607174.

Submission:

Labcorp Genetics (formerly Invitae), Labcorp
Classification: Uncertain significance for Familial meningioma. Last evaluated: 2022-07-29. Review status: criteria provided, single submitter. Criteria: Invitae Variant Classification Sherloc (09022015). Collection method: clinical testing. Allele origin: germline.
Comment: In summary, the available evidence is currently insufficient to determine the role of this variant in disease. Therefore, it has been classified as a Variant of Uncertain Significance. Algorithms developed to predict the effect of missense changes on protein structure and function are either unavailable or do not agree on the potential impact of this missense change (SIFT: "Tolerated"; PolyPhen-2: "Probably Damaging"; Align-GVGD: "Class C15"). This variant has not been reported in the literature in individuals affected with SMARCE1-related conditions. This variant is not present in population databases (gnomAD no frequency). This sequence change replaces glycine, which is neutral and non-polar, with aspartic acid, which is acidic and polar, at codon 388 of the SMARCE1 protein (p.Gly388Asp).